The following is an entry in ClinVar:

ClinVar aggregate classification (germline): Pathogenic (1 of 4 stars; one submission).

Conditions:
Hereditary breast ovarian cancer syndrome. Also called: Hereditary breast and ovarian cancer syndrome; Hereditary breast and/or ovarian cancer syndrome; BRCA1- and BRCA2-Associated Hereditary Breast and Ovarian Cancer; Hereditary breast and ovarian cancer; Breast and ovarian cancer; Hereditary breast and ovarian cancer syndrome (HBOC). Identifiers: Orphanet 145, MedGen C0677776, MeSH D061325, MONDO:0003582. Disease mechanism: loss of function.

Allele frequency attached by ClinVar (database versions not stated): gnomAD exomes below 0.00001.

Submission:

Labcorp Genetics (formerly Invitae), Labcorp
Classification: Pathogenic for Hereditary breast ovarian cancer syndrome. Last evaluated: 2023-10-18. Review status: criteria provided, single submitter. Criteria: Invitae Variant Classification Sherloc (09022015). Collection method: clinical testing. Allele origin: germline.
Comment: This sequence change creates a premature translational stop signal (p.Ser884Glufs*2) in the BRCA2 gene. It is expected to result in an absent or disrupted protein product. Loss-of-function variants in BRCA2 are known to be pathogenic (PMID: 20104584). This variant is not present in population databases (gnomAD no frequency). This variant has not been reported in the literature in individuals affected with BRCA2-related conditions. For these reasons, this variant has been classified as Pathogenic.

Literature cited by the submitters: PubMed 20104584.

NM_000059.4(BRCA2):c.2650_2660del (p.Ser884fs)

Gene: BRCA2 (BRCA2 DNA repair associated; plus strand). Cytogenetic location: 13q13.1.
Variant type: Deletion.
Coding change: c.2650_2660del on transcript NM_000059.4 (MANE Select); coding-DNA positions 2650 to 2660, 11 bases deleted (TCAGACAATGA).
Protein change: p.Ser884fs; shifts the reading frame from serine 884.
Molecular consequence: frameshift variant. On other transcripts: non-coding transcript variant (1), intron variant (2).
Genome position (GRCh38, 1-based): chr13:32,337,005-32,337,015, TCAGACAATGA deleted. VCF-style (leftmost placement, unchanged base first): chr13-32337004-CTCAGACAATGA-C. GRCh37 (hg19) VCF-style: chr13-32911141-CTCAGACAATGA-C.
Other names: c.2650_2660del, p.Ser884fs (NM_001406719.1, NM_001406720.1); c.1909+3618_1909+3628del (NM_001406721.1); c.424+5975_424+5985del (NM_001406722.1); short protein forms S884fs.
Identifiers: ClinVar variation 2762645 (VCV002762645.3), dbSNP rs2548524413, ClinGen allele CA2622601022.